The following is an entry in ClinVar:

NM_001365276.2(TNXB):c.3371G>A (p.Arg1124His)

Gene: TNXB (tenascin XB; minus strand). Cytogenetic location: 6p21.33.
Variant type: single nucleotide variant.
Coding change: c.3371G>A on transcript NM_001365276.2 (MANE Select); coding-DNA position 3371, G replaced by A.
Protein change: p.Arg1124His; replaces arginine 1124 with histidine.
Molecular consequence: missense variant.
Genome position (GRCh38, 1-based): chr6:32,084,487, C>T on the plus strand (G>A on the coding strand, the complement: TNXB is on the minus strand). VCF-style: chr6-32084487-C-T. GRCh37 (hg19) VCF-style: chr6-32052264-C-T.
Other names: c.4112G>A, p.Arg1371His (NM_001428335.1); c.3371G>A, p.Arg1124His (NM_019105.8); short protein forms R1371H, R1124H.
Identifiers: ClinVar variation 3809330 (VCV003809330.1).
Genomic context (GRCh38, chr6:32,084,487, plus strand): 5'-GCCACCAGCGGACCATGCCTCTTCTTGCCAACAAACCCATACAGGACAAATTTGTACTTG[C>T]GGCCAGGATCCAGGGAGGTGATGACGGCCGAGCGCTGGGGTCCTTCCACGGGCACCACCT-3'
Protein context (NP_001352205.1, residues 1114-1134): SAVITSLDPG[Arg1124His]KYKFVLYGFV

ClinVar aggregate classification (germline): Uncertain significance (1 of 4 stars; one submission).

Conditions:
Cardiovascular phenotype. Identifiers: MedGen CN230736.

gnomAD v4.1: 7 of 1,608,362 alleles (0.00044%); highest among the groups gnomAD compares: East Asian, 0.0022%; no homozygotes.

Submission:

Ambry Genetics
Classification: Uncertain significance for Cardiovascular phenotype. Last evaluated: 2025-01-13. Review status: criteria provided, single submitter. Criteria: Ambry Variant Classification Scheme 2023. Collection method: clinical testing. Allele origin: germline.
Comment: The p.R1124H variant (also known as c.3371G>A), located in coding exon 7 of the TNXB gene, results from a G to A substitution at nucleotide position 3371. The arginine at codon 1124 is replaced by histidine, an amino acid with highly similar properties. This amino acid position is conserved. In addition, this alteration is predicted to be tolerated by in silico analysis. Based on the available evidence, the clinical significance of this variant remains unclear.